The following is an entry in ClinVar:

NM_000318.3(PEX2):c.642del (p.Lys215fs)

Gene: PEX2 (peroxisomal biogenesis factor 2; minus strand). Cytogenetic location: 8q21.13.
Variant type: Deletion.
Coding change: c.642del on transcript NM_000318.3 (MANE Select); coding-DNA position 642, one base deleted (G; older notation c.642delG).
Protein change: p.Lys215fs; shifts the reading frame from lysine 215.
Molecular consequence: frameshift variant.
Genome position (GRCh38, 1-based): chr8:76,983,537, C deleted on the plus strand (G on the coding strand, the reverse complement: PEX2 is on the minus strand). VCF-style (leftmost placement, unchanged base first): chr8-76983536-TC-T. GRCh37 (hg19) VCF-style: chr8-77895772-TC-T.
Other names: c.642del, p.Lys215fs (NM_001079867.2, NM_001172086.2, NM_001172087.2); short protein forms K215fs.
Identifiers: ClinVar variation 3767976 (VCV003767976.1).
Genomic context (GRCh38, chr8:76,983,536, plus strand): 5'-TGTCACTATTAGGTGCACCAGTAAGAGGAATACACCATGAAGACAGCTTGGCTTTCAACT[TC>T]TGGACATTGATAAGTGGTAAGAGAAAAATCAGAAATTCAGCAAAACCATGCCAGAGAAGT-3'

ClinVar aggregate classification (germline): Likely pathogenic (1 of 4 stars; one submission).

Conditions:
Peroxisome biogenesis disorder 5B (PBD5B). Identifiers: Orphanet 44, MedGen C3542026, MONDO:0013933, OMIM 614867.
Peroxisome biogenesis disorder 5A (Zellweger) (PBD5A). Identifiers: Orphanet 912, MedGen C3553940, MONDO:0013932, OMIM 614866.

Submission:

Diagnostics Services (NGS), CSIR - Centre For Cellular And Molecular Biology
Classification: Likely pathogenic for Peroxisome biogenesis disorder 5A (Zellweger); Peroxisome biogenesis disorder 5B. Last evaluated: 2025-02-14. Review status: criteria provided, single submitter. Criteria: ACMG Guidelines, 2015. Collection method: clinical testing. Allele origin: unknown. Affected: no. Observed: 2 variant alleles, 2 heterozygotes.
Comment: The c.642del variant is not present in publicly available population databases like 1000 Genomes, EVS, Indian Exome Database or our internal database. This variant is present in gnomAD, at a low frequency. The variant has neither been reported in the literature in individuals affected with PEX2-related conditions nor reported to the clinical databases like Human Genome Mutation Database (HGMD), ClinVar or OMIM in any affected individuals. In-silico pathogenicity prediction programs like MutationTaster2021, CADD, Franklin, Varsome etc predicted this variant to be likely deleterious. This variant causes frameshift at the 214th amino acid position of the wild-type transcript which creates a premature translational stop signal at the altered transcript that may either result in translation of a truncated protein or cause nonsense mediated decay of the mRNA. This variant was identified in a couplel as a part of carrier screening.